The following is an entry in ClinVar:

NM_004444.5(EPHB4):c.2405A>G (p.Asp802Gly)

Genes: EPHB4 (EPH receptor B4; minus strand), LOC126860124 (CDK7 strongly-dependent group 2 enhancer GRCh37_chr7:100403701-100404900; plus strand). Cytogenetic location: 7q22.1.
Variant type: single nucleotide variant.
Coding change: c.2405A>G on transcript NM_004444.5 (MANE Select); coding-DNA position 2405, A replaced by G.
Protein change: p.Asp802Gly; replaces aspartic acid 802 with glycine.
Molecular consequence: missense variant.
Genome position (GRCh38, 1-based): chr7:100,806,499, T>C on the plus strand (A>G on the coding strand, the complement: EPHB4 is on the minus strand). VCF-style: chr7-100806499-T-C. GRCh37 (hg19) VCF-style: chr7-100404121-T-C.
Other names: short protein forms D802G.
Identifiers: ClinVar variation 590869 (VCV000590869.2), dbSNP rs776410552, ClinGen allele CA4392653.

ClinVar aggregate classification (germline): Likely pathogenic. Review status: criteria provided, single submitter (1 of 4 stars). 2 submissions from 2 submitters: Likely pathogenic (1). 1 of the submissions does not count toward it. Last evaluated 2019-03-29.

Conditions:
Capillary malformation-arteriovenous malformation 2 (CMAVM2). Identifiers: Orphanet 693912, MedGen C4748670, MONDO:0020785, OMIM 618196.

Allele frequency attached by ClinVar (database versions not stated): gnomAD exomes below 0.00001; ExAC 0.00001.
gnomAD v4.1: 1 of 1,614,044 alleles (0.000062%); highest among the groups gnomAD compares: Non-Finnish European, 0.000085%; no homozygotes.

Submissions (2):

SIB Swiss Institute of Bioinformatics
Classification: Likely pathogenic for Capillary malformation-arteriovenous malformation 2. Last evaluated: 2019-03-29. Review status: criteria provided, single submitter. Criteria: ACMG Guidelines, 2015. Collection method: curation. Allele origin: unknown.
Comment: This variant is interpreted as a Likely pathogenic for Capillary malformation-arteriovenous malformation 2. The following ACMG Tag(s) were applied: PM2-Supporting: Absent from controls (or at extremely low frequency if recessive) in Exome Sequencing Project, 1000 Genomes Project, or Exome Aggregation Consortium. PM1: Located in a mutational hot spot and/or critical and well-established functional domain (e.g.,active site of an enzyme) without benign variation. PP3: Multiple lines of computational evidence support a deleterious effect on the gene or gene product. PM6: Assumed de novo, but without confirmation of paternity and maternity.

OMIM
Classification: Pathogenic for CAPILLARY MALFORMATION-ARTERIOVENOUS MALFORMATION 2. Last evaluated: 2018-11-21. Review status: no assertion criteria provided. Collection method: literature only. Allele origin: germline. Not counted in ClinVar's aggregate classification.

Literature cited by the submitters: PubMed 28730721 (cited by SIB Swiss Institute of Bioinformatics and OMIM).